The following is an entry in ClinVar:

ClinVar aggregate classification (germline): Conflicting classifications of pathogenicity. Review status: criteria provided, conflicting classifications (1 of 4 stars). 3 submissions from 3 submitters: Pathogenic (1); Uncertain significance (1). 1 of the submissions does not count toward it. Last evaluated 2025-07-20.

Conditions:
Hereditary breast ovarian cancer syndrome. Also called: Hereditary breast and ovarian cancer syndrome; Hereditary breast and ovarian cancer; Hereditary breast and ovarian cancer syndrome (HBOC); Breast and ovarian cancer; Hereditary breast and/or ovarian cancer syndrome; BRCA1- and BRCA2-Associated Hereditary Breast and Ovarian Cancer. Identifiers: Orphanet 145, MedGen C0677776, MeSH D061325, MONDO:0003582. Disease mechanism: loss of function.
Hereditary cancer-predisposing syndrome. Also called: Neoplastic Syndromes, Hereditary; Tumor predisposition; Hereditary neoplastic syndrome; Hereditary Cancer Syndrome. Identifiers: Orphanet 140162, MedGen C0027672, MeSH D009386, MONDO:0015356.
Breast-ovarian cancer, familial, susceptibility to, 2 (BROVCA2). Also called: BRCA2 Hereditary Breast and Ovarian Cancer. Identifiers: Orphanet 145, MedGen C2675520, MONDO:0012933, OMIM 612555. Disease mechanism: loss of function.

Submissions (3):

Ambry Genetics
Classification: Uncertain significance for Hereditary cancer-predisposing syndrome. Last evaluated: 2025-07-20. Review status: criteria provided, single submitter. Criteria: Ambry Variant Classification Scheme 2023. Collection method: clinical testing. Allele origin: germline.
Comment: The p.W31C variant (also known as c.93G>T), located in coding exon 2 of the BRCA2 gene, results from a G to T substitution at nucleotide position 93. The tryptophan at codon 31 is replaced by cysteine, an amino acid with highly dissimilar properties. Multiple in vitro functional studies have reported that p.W31C impairs BRCA2 homologous recombination (HR) function and PALB2 binding activity (Siaud N et al. PLoS Genet., 2011 Dec;7:e1002409; Al Abo M et al. Cancer Res., 2014 Feb;74:797-807; Oliver AW et al. EMBO Rep., 2009 Sep;10:990-6; Xia B et al. Mol. Cell, 2006 Jun;22:719-29; Biswas K et al. Hum. Mol. Genet., 2012 Sep;21:3993-4006; Shimelis H et al. Cancer Res., 2017 06;77:2789-2799; Mesman RLS et al. Genet. Med., 2018 Jul; Caleca L et al. Front Oncol. 2018 Oct;8:480; Ikegami M et al. Nat Commun. 2020 May;11(1):2573; Thomassen M et al. Hum Mutat. 2022 Dec;43(12):1921-1944). This amino acid position is highly conserved in available vertebrate species. In addition, the in silico prediction for this alteration is inconclusive. Based on the available evidence, the clinical significance of this variant remains unclear.

Labcorp Genetics (formerly Invitae), Labcorp
Classification: Pathogenic for Hereditary breast ovarian cancer syndrome. Last evaluated: 2025-01-27. Review status: criteria provided, single submitter. Criteria: Invitae Variant Classification Sherloc (09022015). Collection method: clinical testing. Allele origin: germline.
Comment: This sequence change replaces tryptophan, which is neutral and slightly polar, with cysteine, which is neutral and slightly polar, at codon 31 of the BRCA2 protein (p.Trp31Cys). This variant is not present in population databases (gnomAD no frequency). This missense change has been observed in individual(s) with breast and/or ovarian cancer (PMID: 22678057; internal data). It has also been observed to segregate with disease in related individuals. ClinVar contains an entry for this variant (Variation ID: 52830). Invitae Evidence Modeling of protein sequence and biophysical properties (such as structural, functional, and spatial information, amino acid conservation, physicochemical variation, residue mobility, and thermodynamic stability) indicates that this missense variant is not expected to disrupt BRCA2 protein function with a negative predictive value of 95%. Experimental studies have shown that this missense change affects BRCA2 function (PMID: 16793542, 20215541, 22194698, 22678057, 24285729). Algorithms developed to predict the effect of sequence changes on RNA splicing suggest that this variant may create or strengthen a splice site. This variant disrupts the p.Trp31 amino acid residue in BRCA2. Other variant(s) that disrupt this residue have been determined to be pathogenic (PMID: 11149425, 30093976, 30410870, 31742824, 32778078; internal data). This suggests that this residue is clinically significant, and that variants that disrupt this residue are likely to be disease-causing. For these reasons, this variant has been classified as Pathogenic.

Breast Cancer Information Core (BIC) (BRCA2)
Classification: Uncertain significance for Breast-ovarian cancer, familial 2. Review status: no assertion criteria provided. Collection method: clinical testing. Allele origin: germline. Affected: yes. Observed: 1 variant allele. Not counted in ClinVar's aggregate classification.

Literature cited by the submitters: PubMed 16793542 (cited by Ambry Genetics and Labcorp Genetics (formerly Invitae), Labcorp); PubMed 19609323 (cited by Ambry Genetics); PubMed 20215541 (cited by Ambry Genetics and Labcorp Genetics (formerly Invitae), Labcorp); PubMed 22194698 (cited by Ambry Genetics and Labcorp Genetics (formerly Invitae), Labcorp); PubMed 22678057 (cited by Ambry Genetics and Labcorp Genetics (formerly Invitae), Labcorp); PubMed 24285729 (cited by Ambry Genetics and Labcorp Genetics (formerly Invitae), Labcorp); PubMed 27490902 (cited by Ambry Genetics); PubMed 28283652 (cited by Ambry Genetics); PubMed 29988080 (cited by Ambry Genetics); PubMed 30410870 (cited by Ambry Genetics and Labcorp Genetics (formerly Invitae), Labcorp); PubMed 32444794 (cited by Ambry Genetics); PubMed 35979650 (cited by Ambry Genetics); PubMed 11149425 (cited by Labcorp Genetics (formerly Invitae), Labcorp); PubMed 30093976 (cited by Labcorp Genetics (formerly Invitae), Labcorp); PubMed 31742824 (cited by Labcorp Genetics (formerly Invitae), Labcorp); PubMed 32778078 (cited by Labcorp Genetics (formerly Invitae), Labcorp).

NM_000059.4(BRCA2):c.93G>T (p.Trp31Cys)

Gene: BRCA2 (BRCA2 DNA repair associated; plus strand). Cytogenetic location: 13q13.1.
Variant type: single nucleotide variant.
Coding change: c.93G>T on transcript NM_000059.4 (MANE Select); coding-DNA position 93, G replaced by T.
Protein change: p.Trp31Cys; replaces tryptophan 31 with cysteine.
Molecular consequence: missense variant.
Genome position (GRCh38, 1-based): chr13:32,319,102, G>T. VCF-style: chr13-32319102-G-T. GRCh37 (hg19) VCF-style: chr13-32893239-G-T.
Other names: short protein forms W31C.
Identifiers: ClinVar variation 52830 (VCV000052830.16), dbSNP rs80359214, ClinGen allele CA026140.